The following is an entry in ClinVar:

ClinVar aggregate classification (germline): Likely benign. Review status: criteria provided, multiple submitters, no conflicts (2 of 4 stars). 2 submissions from 2 submitters: Likely benign (2). Last evaluated 2024-01-09.

Allele frequency attached by ClinVar (database versions not stated): gnomAD 0.00001; TOPMed 0.00001; gnomAD exomes 0.00003; ExAC 0.00004.
gnomAD v4.1: 42 of 1,614,090 alleles (0.0026%); highest among the groups gnomAD compares: Admixed American, 0.012%; no homozygotes.

Submissions (2):

Labcorp Genetics (formerly Invitae), Labcorp
Classification: Likely benign. Last evaluated: 2024-01-09. Review status: criteria provided, single submitter. Criteria: Invitae Variant Classification Sherloc (09022015). Collection method: clinical testing. Allele origin: germline.

CeGaT Center for Human Genetics Tuebingen
Classification: Likely benign. Last evaluated: 2022-11-01. Review status: criteria provided, single submitter. Criteria: CeGaT Center For Human Genetics Tuebingen Variant Classification Criteria Version 2. Collection method: clinical testing. Allele origin: germline. Affected: yes. Observed: 1 variant allele.
Comment: TG: BP4, BP7

NM_003235.5(TG):c.2442C>T (p.Ser814=)

Gene: TG (thyroglobulin; plus strand). Cytogenetic location: 8q24.22.
Variant type: single nucleotide variant.
Coding change: c.2442C>T on transcript NM_003235.5 (MANE Select); coding-DNA position 2442, C replaced by T.
Protein change: p.Ser814=; no amino-acid change (serine 814 retained).
Molecular consequence: synonymous variant.
Genome position (GRCh38, 1-based): chr8:132,888,249, C>T. VCF-style: chr8-132888249-C-T. GRCh37 (hg19) VCF-style: chr8-133900494-C-T.
Identifiers: ClinVar variation 2658830 (VCV002658830.27), dbSNP rs776488821, ClinGen allele CA4883404.